The following is an entry in ClinVar:

ClinVar aggregate classification (germline): Uncertain significance. Review status: criteria provided, multiple submitters, no conflicts (2 of 4 stars). 2 submissions from 2 submitters: Uncertain significance (2). Last evaluated 2026-01-27.

Conditions:
Hereditary cancer-predisposing syndrome. Also called: Hereditary neoplastic syndrome; Neoplastic Syndromes, Hereditary; Tumor predisposition; Hereditary Cancer Syndrome. Identifiers: Orphanet 140162, MedGen C0027672, MeSH D009386, MONDO:0015356.
Cardiovascular phenotype. Identifiers: MedGen CN230736.

Allele frequency attached by ClinVar (database versions not stated): ExAC 0.00002; gnomAD 0.00002; gnomAD exomes 0.00002; TOPMed 0.00002.
gnomAD v4.1: 12 of 1,612,558 alleles (0.00074%); highest among the groups gnomAD compares: South Asian, 0.0044%; no homozygotes.

Submissions (2):

Labcorp Genetics (formerly Invitae), Labcorp
Classification: Uncertain significance. Last evaluated: 2026-01-27. Review status: criteria provided, single submitter. Criteria: Invitae Variant Classification Sherloc (09022015). Collection method: clinical testing. Allele origin: germline.
Comment: This sequence change replaces cysteine, which is neutral and slightly polar, with arginine, which is basic and polar, at codon 560 of the LZTR1 protein (p.Cys560Arg). This variant is present in population databases (rs754093586, gnomAD 0.02%). This variant has not been reported in the literature in individuals affected with LZTR1-related conditions. ClinVar contains an entry for this variant (Variation ID: 1035064). Invitae Evidence Modeling of protein sequence and biophysical properties (such as structural, functional, and spatial information, amino acid conservation, physicochemical variation, residue mobility, and thermodynamic stability) indicates that this missense variant is not expected to disrupt LZTR1 protein function with a negative predictive value of 80%. In summary, the available evidence is currently insufficient to determine the role of this variant in disease. Therefore, it has been classified as a Variant of Uncertain Significance.

Ambry Genetics
Classification: Uncertain significance for Cardiovascular phenotype; Hereditary cancer-predisposing syndrome. Last evaluated: 2024-02-02. Review status: criteria provided, single submitter. Criteria: Ambry Variant Classification Scheme 2023. Collection method: clinical testing. Allele origin: germline.
Comment: The p.C560R variant (also known as c.1678T>C), located in coding exon 15 of the LZTR1 gene, results from a T to C substitution at nucleotide position 1678. The cysteine at codon 560 is replaced by arginine, an amino acid with highly dissimilar properties. This amino acid position is not well conserved in available vertebrate species. In addition, this alteration is predicted to be tolerated by in silico analysis. Since supporting evidence is limited at this time, the clinical significance of this alteration remains unclear.

NM_006767.4(LZTR1):c.1678T>C (p.Cys560Arg)

Gene: LZTR1 (leucine zipper like post translational regulator 1; plus strand). Cytogenetic location: 22q11.21.
Variant type: single nucleotide variant.
Coding change: c.1678T>C on transcript NM_006767.4 (MANE Select); coding-DNA position 1678, T replaced by C.
Protein change: p.Cys560Arg; replaces cysteine 560 with arginine.
Molecular consequence: missense variant.
Genome position (GRCh38, 1-based): chr22:20,994,620, T>C. VCF-style: chr22-20994620-T-C. GRCh37 (hg19) VCF-style: chr22-21348909-T-C.
Other names: short protein forms C560R.
Identifiers: ClinVar variation 1035064 (VCV001035064.11), dbSNP rs754093586, ClinGen allele CA10119020.